The following is an entry in ClinVar:

ClinVar aggregate classification (germline): Uncertain significance (1 of 4 stars; one submission).

Conditions:
Mitochondrial complex II deficiency, nuclear type 1. Also called: SUCCINATE CoQ REDUCTASE DEFICIENCY. Identifiers: Orphanet 3208, MedGen C5700310, MONDO:0100294, OMIM 252011.
Pheochromocytoma/paraganglioma syndrome 5. Also called: Paragangliomas 5; SDHA-Related Hereditary Paraganglioma-Pheochromocytoma Syndrome. Identifiers: Orphanet 29072, MedGen C3279992, MONDO:0013602, OMIM 614165.

Submission:

Labcorp Genetics (formerly Invitae), Labcorp
Classification: Uncertain significance for Pheochromocytoma/paraganglioma syndrome 5; Mitochondrial complex II deficiency, nuclear type 1. Last evaluated: 2022-02-19. Review status: criteria provided, single submitter. Criteria: Invitae Variant Classification Sherloc (09022015). Collection method: clinical testing. Allele origin: germline.
Comment: This variant is not present in population databases (gnomAD no frequency). In summary, the available evidence is currently insufficient to determine the role of this variant in disease. Therefore, it has been classified as a Variant of Uncertain Significance. Algorithms developed to predict the effect of missense changes on protein structure and function (SIFT, PolyPhen-2, Align-GVGD) all suggest that this variant is likely to be disruptive. ClinVar contains an entry for this variant (Variation ID: 472352). This variant has not been reported in the literature in individuals affected with SDHA-related conditions. This sequence change replaces methionine, which is neutral and non-polar, with arginine, which is basic and polar, at codon 572 of the SDHA protein (p.Met572Arg).

NM_004168.4(SDHA):c.1715T>G (p.Met572Arg)

Gene: SDHA (succinate dehydrogenase complex flavoprotein subunit A; plus strand). Cytogenetic location: 5p15.33.
Variant type: single nucleotide variant.
Coding change: c.1715T>G on transcript NM_004168.4 (MANE Select); coding-DNA position 1715, T replaced by G.
Protein change: p.Met572Arg; replaces methionine 572 with arginine.
Molecular consequence: missense variant. On other transcripts: intron variant (1).
Genome position (GRCh38, 1-based): chr5:251,389, T>G. VCF-style: chr5-251389-T-G. GRCh37 (hg19) VCF-style: chr5-251504-T-G.
Other names: c.1571T>G, p.Met524Arg (NM_001294332.2); c.1552-3004T>G (NM_001330758.2); short protein forms M572R, M524R.
Identifiers: ClinVar variation 472352 (VCV000472352.9), dbSNP rs1554001925, ClinGen allele CA359000079.
Genomic context (GRCh38, chr5:251,389, plus strand): 5'-TGTCCCCAGGAATGGTCTGGAACACGGACCTGGTGGAGACCCTGGAGCTGCAGAACCTGA[T>G]GCTGTGTGCGCTGCAGACCATCTACGGAGCAGAGGCACGGAAGGAGTCACGGGGCGCGCA-3'
Protein context (NP_004159.2, residues 562-582): LVETLELQNL[Met572Arg]LCALQTIYGA